The following is an entry in ClinVar:

NM_001282116.2(RFX3):c.216-9C>A

Gene: RFX3 (regulatory factor X3; minus strand). Cytogenetic location: 9p24.2.
Variant type: single nucleotide variant.
Coding change: c.216-9C>A on transcript NM_001282116.2 (MANE Select); 9 bases into the intron before coding-DNA position 216, C replaced by A.
Molecular consequence: intron variant.
Genome position (GRCh38, 1-based): chr9:3,330,526, G>T on the plus strand (C>A on the coding strand, the complement: RFX3 is on the minus strand). VCF-style: chr9-3330526-G-T. GRCh37 (hg19) VCF-style: chr9-3330526-G-T.
Other names: c.216-9C>A (NM_001377999.1, NM_134428.3, NM_002919.4 and 1 more transcripts).
Identifiers: ClinVar variation 3048670 (VCV003048670.2), dbSNP rs183273476, ClinGen allele CA4967481.
Genomic context (GRCh38, chr9:3,330,526, plus strand): 5'-AGTATTTTGGCTGTACATCTGTGTCTCTGTGTAAGGATACGTTGTTGTTCGGCTTTAGAA[G>T]AAGAAGAAAAAAGAAATTTACTAGCTTATTTATGTCATCTTATTAATTTTTTTCTAATAT-3'

ClinVar aggregate classification (germline): Likely benign (0 of 4 stars; one submission).

Conditions:
RFX3-related disorder. Also called: RFX3-related condition.

Allele frequency attached by ClinVar (database versions not stated): ESP Exome Variant Server 0.00008; ExAC 0.00012; TOPMed 0.00012; 1000 Genomes Project 30x 0.00016; gnomAD 0.00016; 1000 Genomes Project 0.00020.
gnomAD v4.1: 308 of 1,583,882 alleles (0.019%); highest among the groups gnomAD compares: Non-Finnish European, 0.021%; no homozygotes.

Submission:

PreventionGenetics, part of Exact Sciences
Classification: Likely benign for RFX3-related condition. Last evaluated: 2023-12-15. Review status: no assertion criteria provided. Collection method: clinical testing. Allele origin: germline.
Comment: This variant is classified as likely benign based on ACMG/AMP sequence variant interpretation guidelines (Richards et al. 2015 PMID: 25741868, with internal and published modifications).